The following is an entry in ClinVar:

ClinVar aggregate classification (germline): Uncertain significance. Review status: criteria provided, multiple submitters, no conflicts (2 of 4 stars). 3 submissions from 3 submitters: Uncertain significance (3). Last evaluated 2020-03-26.

Conditions:
Inborn genetic diseases. Identifiers: MedGen C0950123, MeSH D030342.
Temtamy preaxial brachydactyly syndrome (TPBS). Identifiers: Orphanet 363417, MedGen C1854466, MONDO:0011533, OMIM 605282.

Allele frequency attached by ClinVar (database versions not stated): gnomAD exomes below 0.00001; TOPMed below 0.00001.

Submissions (3):

Athena Diagnostics
Classification: Uncertain significance. Last evaluated: 2020-03-26. Review status: criteria provided, single submitter. Criteria: Athena Diagnostics Criteria. Collection method: clinical testing. Allele origin: unknown.

Labcorp Genetics (formerly Invitae), Labcorp
Classification: Uncertain significance for Temtamy preaxial brachydactyly syndrome. Last evaluated: 2018-05-17. Review status: criteria provided, single submitter. Criteria: Invitae Variant Classification Sherloc (09022015). Collection method: clinical testing. Allele origin: germline.
Comment: In summary, the available evidence is currently insufficient to determine the role of this variant in disease. Therefore, it has been classified as a Variant of Uncertain Significance. Algorithms developed to predict the effect of missense changes on protein structure and function are either unavailable or do not agree on the potential impact of this missense change (SIFT: "Deleterious"; PolyPhen-2: "Probably Damaging"; Align-GVGD: "Class C0"). This variant has not been reported in the literature in individuals with CHSY1-related disease. This variant is not present in population databases (ExAC no frequency). This sequence change replaces arginine with cysteine at codon 336 of the CHSY1 protein (p.Arg336Cys). The arginine residue is highly conserved and there is a large physicochemical difference between arginine and cysteine.

Ambry Genetics
Classification: Uncertain significance for Inborn genetic diseases. Last evaluated: 2017-09-14. Review status: criteria provided, single submitter. Criteria: Ambry exome assertion method (8-5-2015). Collection method: clinical testing. Allele origin: germline. Affected: yes. Observed: 1 variant allele.

NM_014918.5(CHSY1):c.1006C>T (p.Arg336Cys)

Gene: CHSY1 (chondroitin sulfate synthase 1; minus strand). Cytogenetic location: 15q26.3.
Variant type: single nucleotide variant.
Coding change: c.1006C>T on transcript NM_014918.5 (MANE Select); coding-DNA position 1006, C replaced by T.
Protein change: p.Arg336Cys; replaces arginine 336 with cysteine.
Molecular consequence: missense variant.
Genome position (GRCh38, 1-based): chr15:101,178,791, G>A on the plus strand (C>T on the coding strand, the complement: CHSY1 is on the minus strand). VCF-style: chr15-101178791-G-A. GRCh37 (hg19) VCF-style: chr15-101718996-G-A.
Other names: short protein forms R336C.
Identifiers: ClinVar variation 522063 (VCV000522063.12), dbSNP rs1320280755, ClinGen allele CA393963232.